The following is an entry in ClinVar:

NM_005085.4(NUP214):c.1547G>A (p.Gly516Asp)

Gene: NUP214 (nucleoporin 214; plus strand). Cytogenetic location: 9q34.13.
Variant type: single nucleotide variant.
Coding change: c.1547G>A on transcript NM_005085.4 (MANE Select); coding-DNA position 1547, G replaced by A.
Protein change: p.Gly516Asp; replaces glycine 516 with aspartic acid.
Molecular consequence: missense variant.
Genome position (GRCh38, 1-based): chr9:131,144,532, G>A. VCF-style: chr9-131144532-G-A. GRCh37 (hg19) VCF-style: chr9-134019919-G-A.
Other names: c.1547G>A, p.Gly516Asp (NM_001318324.2); short protein forms G516D.
Identifiers: ClinVar variation 1699770 (VCV001699770.2), dbSNP rs570359532, ClinGen allele CA5289040.

ClinVar aggregate classification (germline): Uncertain significance (1 of 4 stars; one submission).

Allele frequency attached by ClinVar (database versions not stated): gnomAD 0.00001 and 0.00003; TOPMed 0.00001; ExAC 0.00002; gnomAD exomes 0.00003; 1000 Genomes Project 0.00020; 1000 Genomes Project 30x 0.00031.
gnomAD v4.1: 46 of 1,614,108 alleles (0.0028%); highest among the groups gnomAD compares: East Asian, 0.062%; no homozygotes.

Submission:

GeneDx
Classification: Uncertain significance. Last evaluated: 2022-01-26. Review status: criteria provided, single submitter. Criteria: GeneDx Variant Classification Process June 2021. Collection method: clinical testing. Allele origin: germline. Affected: yes.
Comment: In silico analysis supports that this missense variant has a deleterious effect on protein structure/function; Has not been previously published as pathogenic or benign to our knowledge